The following is an entry in ClinVar:

ClinVar aggregate classification (germline): Uncertain significance. Review status: criteria provided, single submitter (1 of 4 stars). 2 submissions from 2 submitters: Uncertain significance (1). 1 of the submissions does not count toward it. Last evaluated 2021-08-26.

Conditions:
Primary ciliary dyskinesia. Also called: Ciliary dyskinesia. Identifiers: Orphanet 244, MedGen C0008780, MONDO:0016575, HP:0012265.

gnomAD v4.1: 5 of 1,614,134 alleles (0.00031%); highest among the groups gnomAD compares: Non-Finnish European, 0.00042%; no homozygotes.

Submissions (2):

Labcorp Genetics (formerly Invitae), Labcorp
Classification: Uncertain significance for Primary ciliary dyskinesia. Last evaluated: 2021-08-26. Review status: criteria provided, single submitter. Criteria: Invitae Variant Classification Sherloc (09022015). Collection method: clinical testing. Allele origin: germline.
Comment: This sequence change replaces arginine with glycine at codon 389 of the DNAI2 protein (p.Arg389Gly). The arginine residue is highly conserved and there is a moderate physicochemical difference between arginine and glycine. This variant is present in population databases (rs375896715, ExAC 0.002%). This variant has not been reported in the literature in individuals affected with DNAI2-related conditions. Algorithms developed to predict the effect of missense changes on protein structure and function are either unavailable or do not agree on the potential impact of this missense change (SIFT: "Deleterious"; PolyPhen-2: "Possibly Damaging"; Align-GVGD: "Class C0"). In summary, the available evidence is currently insufficient to determine the role of this variant in disease. Therefore, it has been classified as a Variant of Uncertain Significance.

Natera, Inc.
Classification: Uncertain significance for Primary ciliary dyskinesia. Last evaluated: 2020-10-30. Review status: no assertion criteria provided. Collection method: clinical testing. Allele origin: germline. Not counted in ClinVar's aggregate classification.

NM_023036.6(DNAI2):c.1165C>G (p.Arg389Gly)

Gene: DNAI2 (dynein axonemal intermediate chain 2; plus strand). Cytogenetic location: 17q25.1.
Variant type: single nucleotide variant.
Coding change: c.1165C>G on transcript NM_023036.6 (MANE Select); coding-DNA position 1165, C replaced by G.
Protein change: p.Arg389Gly; replaces arginine 389 with glycine.
Molecular consequence: missense variant. On other transcripts: non-coding transcript variant (1).
Genome position (GRCh38, 1-based): chr17:74,305,396, C>G. VCF-style: chr17-74305396-C-G. GRCh37 (hg19) VCF-style: chr17-72301535-C-G.
Other names: c.1165C>G, p.Arg389Gly (NM_001172810.3, NM_001353167.2); short protein forms R389G.
Identifiers: ClinVar variation 241445 (VCV000241445.10), dbSNP rs375896715, ClinGen allele CA8745624.